The following is an entry in ClinVar:

NM_177438.3(DICER1):c.1052dup (p.Leu352fs)

Gene: DICER1 (dicer 1, ribonuclease III; minus strand). Cytogenetic location: 14q32.13.
Variant type: Duplication.
Coding change: c.1052dup on transcript NM_177438.3 (MANE Select); coding-DNA position 1052, one base duplicated (T; older notation c.1052dupT).
Protein change: p.Leu352fs; shifts the reading frame from leucine 352.
Molecular consequence: frameshift variant. On other transcripts: non-coding transcript variant (6), 5 prime UTR variant (1).
Genome position (GRCh38, 1-based): chr14:95,124,520, A duplicated on the plus strand (T on the coding strand, the reverse complement: DICER1 is on the minus strand); the first of 3 consecutive A bases (chr14:95,124,520-95,124,522); duplicating any one gives the same sequence. VCF-style (leftmost placement, unchanged base first): chr14-95124519-G-GA. GRCh37 (hg19) VCF-style: chr14-95590856-G-GA.
Other names: c.1052dupT (NM_177438.2); c.1052dup, p.Leu352fs (NM_001195573.1, NM_001271282.3, NM_001291628.2 and 14 more transcripts); c.1050dup, p.Leu352Profs (NM_001395681.1); c.770dup, p.Leu258fs (NM_001395686.1); c.647dup, p.Leu217fs (NM_001395687.1, NM_001395688.1, NM_001395689.1 and 3 more transcripts); c.485dup, p.Leu163fs (NM_001395691.1); c.-517dup (NM_001395697.1); short protein forms L163fs, L258fs, L352fs, L217fs.
Identifiers: ClinVar variation 1777588 (VCV001777588.5), dbSNP rs2543182907, ClinGen allele CA2580089108.

ClinVar aggregate classification (germline): Pathogenic. Review status: criteria provided, multiple submitters, no conflicts (2 of 4 stars). 2 submissions from 2 submitters: Pathogenic (2). Last evaluated 2024-01-19.

Conditions:
DICER1-related tumor predisposition. Also called: DICER1-related pleuropulmonary blastoma cancer predisposition syndrome; DICER1 syndrome. Identifiers: Orphanet 284343, MedGen C3839822, MONDO:0100216.
Hereditary cancer-predisposing syndrome. Also called: Tumor predisposition; Neoplastic Syndromes, Hereditary; Hereditary Cancer Syndrome; Hereditary neoplastic syndrome. Identifiers: Orphanet 140162, MedGen C0027672, MeSH D009386, MONDO:0015356.

Submissions (2):

Labcorp Genetics (formerly Invitae), Labcorp
Classification: Pathogenic for DICER1-related tumor predisposition. Last evaluated: 2024-01-19. Review status: criteria provided, single submitter. Criteria: Invitae Variant Classification Sherloc (09022015). Collection method: clinical testing. Allele origin: germline.
Comment: This sequence change creates a premature translational stop signal (p.Leu352Profs*9) in the DICER1 gene. It is expected to result in an absent or disrupted protein product. Loss-of-function variants in DICER1 are known to be pathogenic (PMID: 19556464, 21266384). This variant is not present in population databases (gnomAD no frequency). This variant has not been reported in the literature in individuals affected with DICER1-related conditions. ClinVar contains an entry for this variant (Variation ID: 1777588). For these reasons, this variant has been classified as Pathogenic.

Ambry Genetics
Classification: Pathogenic for Hereditary cancer-predisposing syndrome. Last evaluated: 2021-11-29. Review status: criteria provided, single submitter. Criteria: Ambry Variant Classification Scheme 2023. Collection method: clinical testing. Allele origin: germline.
Comment: The c.1052dupT pathogenic mutation, located in coding exon 7 of the DICER1 gene, results from a duplication of T at nucleotide position 1052, causing a translational frameshift with a predicted alternate stop codon (p.L352Pfs*9). This variant is considered to be rare based on population cohorts in the Genome Aggregation Database (gnomAD). This alteration is expected to result in loss of function by premature protein truncation or nonsense-mediated mRNA decay. As such, this alteration is interpreted as a disease-causing mutation.

Literature cited by the submitters: PubMed 19556464 (cited by Labcorp Genetics (formerly Invitae), Labcorp); PubMed 21266384 (cited by Labcorp Genetics (formerly Invitae), Labcorp).